The following is an entry in ClinVar:

NM_003458.4(BSN):c.10629T>A (p.His3543Gln)

Gene: BSN (bassoon presynaptic cytomatrix protein; plus strand). Cytogenetic location: 3p21.31.
Variant type: single nucleotide variant.
Coding change: c.10629T>A on transcript NM_003458.4 (MANE Select); coding-DNA position 10629, T replaced by A.
Protein change: p.His3543Gln; replaces histidine 3543 with glutamine.
Molecular consequence: missense variant.
Genome position (GRCh38, 1-based): chr3:49,662,474, T>A. VCF-style: chr3-49662474-T-A. GRCh37 (hg19) VCF-style: chr3-49699907-T-A.
Other names: short protein forms H3543Q.
Identifiers: ClinVar variation 5018044 (VCV005018044.1).

ClinVar aggregate classification (germline): Uncertain significance (1 of 4 stars; one submission).

Submission:

GeneDx
Classification: Uncertain significance. Last evaluated: 2026-03-31. Review status: criteria provided, single submitter. Criteria: GeneDx Variant Classification Process June 2021. Collection method: clinical testing. Allele origin: germline.
Comment: Not observed at significant frequency in large population cohorts (gnomAD); In silico analysis supports that this missense variant has a deleterious effect on protein structure/function; Has not been previously published as pathogenic or benign to our knowledge